The following is an entry in ClinVar:

ClinVar aggregate classification (germline): Pathogenic (1 of 4 stars; one submission).

Conditions:
Ethylmalonic encephalopathy (EE). Also called: EPEMA syndrome; Encephalopathy, petechiae, and ethylmalonic aciduria; Syndrome of encephalopathy, petechiae, and ethylmalonic aciduria. Identifiers: Orphanet 51188, MedGen C1865349, MONDO:0011229, OMIM 602473. Disease mechanism: loss of function.

Submission:

Labcorp Genetics (formerly Invitae), Labcorp
Classification: Pathogenic for Ethylmalonic encephalopathy. Last evaluated: 2021-02-03. Review status: criteria provided, single submitter. Criteria: Invitae Variant Classification Sherloc (09022015). Collection method: clinical testing. Allele origin: germline.
Comment: This variant has not been reported in the literature in individuals with ETHE1-related conditions. Algorithms developed to predict the effect of sequence changes on RNA splicing suggest that this variant may create or strengthen a splice site, but this prediction has not been confirmed by published transcriptional studies. For these reasons, this variant has been classified as Pathogenic. This variant is not present in population databases (ExAC no frequency). This sequence change creates a premature translational stop signal (p.Thr216*) in the ETHE1 gene. It is expected to result in an absent or disrupted protein product. Loss-of-function variants in ETHE1 are known to be pathogenic (PMID: 14732903, 19136963).

Literature cited by the submitters: PubMed 14732903; PubMed 19136963.

NM_014297.5(ETHE1):c.645_655del (p.Leu215_Thr216insTer)

Gene: ETHE1 (ETHE1 persulfide dioxygenase; minus strand). Cytogenetic location: 19q13.31.
Variant type: Deletion.
Coding change: c.645_655del on transcript NM_014297.5 (MANE Select); coding-DNA positions 645 to 655, 11 bases deleted (CACCCTCAGCT).
Protein change: p.Leu215_Thr216insTer.
Molecular consequence: frameshift variant.
Genome position (GRCh38, 1-based): chr19:43,508,001-43,508,011, AGCTGAGGGTG deleted on the plus strand (CACCCTCAGCT on the coding strand, the reverse complement: ETHE1 is on the minus strand); deleting any 11 consecutive bases within chr19:43,508,001-43,508,014 gives the same sequence; the c. name uses the placement nearest the transcript's 3' end. VCF-style (leftmost placement, unchanged base first): chr19-43508000-CAGCTGAGGGTG-C. GRCh37 (hg19) VCF-style: chr19-44012152-CAGCTGAGGGTG-C.
Other names: c.612_622del, p.Leu204_Thr205insTer (NM_001320867.2); c.276_286del, p.Leu92_Thr93insTer (NM_001320868.2); c.351_361del, p.Leu117_Thr118insTer (NM_001320869.2).
Identifiers: ClinVar variation 1412035 (VCV001412035.6), dbSNP rs2145977281, ClinGen allele CA2573156429.